The following is an entry in ClinVar:

NM_003221.4(TFAP2B):c.1105G>C (p.Asp369His)

Gene: TFAP2B (transcription factor AP-2 beta; plus strand). Cytogenetic location: 6p12.3.
Variant type: single nucleotide variant.
Coding change: c.1105G>C on transcript NM_003221.4 (MANE Select); coding-DNA position 1105, G replaced by C.
Protein change: p.Asp369His; replaces aspartic acid 369 with histidine.
Molecular consequence: missense variant.
Genome position (GRCh38, 1-based): chr6:50,843,114, G>C. VCF-style: chr6-50843114-G-C. GRCh37 (hg19) VCF-style: chr6-50810827-G-C.
Other names: short protein forms D369H.
Identifiers: ClinVar variation 1028094 (VCV001028094.1), dbSNP rs1762765738, ClinGen allele CA364415859.
Genomic context (GRCh38, chr6:50,843,114, plus strand): 5'-TGAGGGTGATTTTCTGTGCCTCGCCCACCCCTTTGCAGGCAACTTTGTAAAGAATTTACG[G>C]ATCTACTGGCGCAGGACCGGACACCGATAGGGAACAGCCGACCCAGCCCCATCCTGGAGC-3'
Protein context (NP_003212.2, residues 359-379): ATKQLCKEFT[Asp369His]LLAQDRTPIG

ClinVar aggregate classification (germline): Uncertain significance (1 of 4 stars; one submission).

Conditions:
Char syndrome (CHAR). Also called: PATENT DUCTUS ARTERIOSUS WITH FACIAL DYSMORPHISM AND ABNORMAL FIFTH DIGITS. Identifiers: Orphanet 46627, MedGen C1868570, MONDO:0008209, OMIM 169100.

Submission:

Baylor Genetics
Classification: Uncertain significance for Char syndrome. Last evaluated: 2019-02-13. Review status: criteria provided, single submitter. Criteria: ACMG Guidelines, 2015. Collection method: clinical testing. Allele origin: paternal. Affected: yes.
Comment: This variant was determined to be of uncertain significance according to ACMG Guidelines, 2015 [PMID:25741868].